The following is an entry in ClinVar:

ClinVar aggregate classification (germline): Uncertain significance (1 of 4 stars; one submission).

Conditions:
Long QT syndrome (LQTS). Identifiers: MedGen C0023976, MeSH D008133, MONDO:0002442. Disease mechanism: loss of function. Inheritance: Various modes of inheritance.

Submission:

Labcorp Genetics (formerly Invitae), Labcorp
Classification: Uncertain significance for Long QT syndrome. Last evaluated: 2017-12-19. Review status: criteria provided, single submitter. Criteria: Invitae Variant Classification Sherloc (09022015). Collection method: clinical testing. Allele origin: germline.
Comment: In summary, the available evidence is currently insufficient to determine the role of this variant in disease. Therefore, it has been classified as a Variant of Uncertain Significance. Algorithms developed to predict the effect of missense changes on protein structure and function (SIFT, PolyPhen-2, Align-GVGD) all suggest that this variant is likely to be disruptive, but these predictions have not been confirmed by published functional studies and their clinical significance is uncertain. This variant has been reported in an individual affected with long QT syndrome (PMID: 27920829). This variant is not present in population databases (ExAC no frequency). This sequence change replaces glutamine with glutamic acid at codon 357 of the KCNQ1 protein (p.Gln357Glu). The glutamine residue is highly conserved and there is a small physicochemical difference between glutamine and glutamic acid.

Literature cited by the submitters: PubMed 27920829.

NM_000218.3(KCNQ1):c.1069C>G (p.Gln357Glu)

Gene: KCNQ1 (potassium voltage-gated channel subfamily Q member 1; plus strand). Cytogenetic location: 11p15.5.
Variant type: single nucleotide variant.
Coding change: c.1069C>G on transcript NM_000218.3 (MANE Select); coding-DNA position 1069, C replaced by G.
Protein change: p.Gln357Glu; replaces glutamine 357 with glutamic acid.
Molecular consequence: missense variant.
Genome position (GRCh38, 1-based): chr11:2,585,248, C>G. VCF-style: chr11-2585248-C-G. GRCh37 (hg19) VCF-style: chr11-2606478-C-G.
Other names: c.799C>G, p.Gln267Glu (NM_001406837.1); c.688C>G, p.Gln230Glu (NM_181798.2); short protein forms Q230E, Q357E, Q267E.
Identifiers: ClinVar variation 526978 (VCV000526978.10), dbSNP rs1554894743, ClinGen allele CA379133746.